The following is an entry in ClinVar:

NM_001365276.2(TNXB):c.4484C>T (p.Thr1495Ile)

Gene: TNXB (tenascin XB; minus strand). Cytogenetic location: 6p21.33.
Variant type: single nucleotide variant.
Coding change: c.4484C>T on transcript NM_001365276.2 (MANE Select); coding-DNA position 4484, C replaced by T.
Protein change: p.Thr1495Ile; replaces threonine 1495 with isoleucine.
Molecular consequence: missense variant.
Genome position (GRCh38, 1-based): chr6:32,073,844, G>A on the plus strand (C>T on the coding strand, the complement: TNXB is on the minus strand). VCF-style: chr6-32073844-G-A. GRCh37 (hg19) VCF-style: chr6-32041621-G-A.
Other names: p.Thr1495Ile; c.4484C>T, p.Thr1495Ile (NM_019105.8); short protein forms T1495I.
Identifiers: ClinVar variation 1258568 (VCV001258568.13), dbSNP rs6910390, ClinGen allele CA3734940.

ClinVar aggregate classification (germline): Benign/Likely benign. Review status: criteria provided, multiple submitters, no conflicts (2 of 4 stars). 10 submissions from 10 submitters: Benign (5); Likely benign (3). 2 of the submissions do not count toward it. Last evaluated 2026-03-31.

Conditions:
Cardiovascular phenotype. Identifiers: MedGen CN230736.
Ehlers-Danlos syndrome (EDS). Identifiers: Orphanet 98249, MedGen C0013720, MONDO:0020066.
Vesicoureteral reflux 8 (VUR8). Identifiers: Orphanet 289365, MedGen C4014831, MONDO:0014422, OMIM 615963.
Ehlers-Danlos syndrome due to tenascin-X deficiency (EDSCLL1). Also called: TNXB-Related Classical-Like Ehlers-Danlos Syndrome; EDS DUE TO TNX DEFICIENCY; TNX DEFICIENCY; EHLERS-DANLOS SYNDROME, CLASSIC-LIKE; Ehlers-Danlos syndrome, classic-like, 1. Identifiers: Orphanet 230839, MedGen C1848029, MONDO:0011670, OMIM 606408.

Allele frequency attached by ClinVar (database versions not stated): gnomAD exomes 0.00435 and 0.00694; ExAC 0.00447; 1000 Genomes Project 0.00539; 1000 Genomes Project 30x 0.00547; ESP Exome Variant Server 0.00820; gnomAD 0.00842; TOPMed 0.00882.
gnomAD v4.1: 11,414 of 1,611,922 alleles (0.71%); highest among the groups gnomAD compares: African/African-American, 1.6%; 62 homozygotes.

Submissions (10):

Women's Health and Genetics/Laboratory Corporation of America, LabCorp
Classification: Likely benign. Last evaluated: 2026-03-31. Review status: criteria provided, single submitter. Criteria: LabCorp Variant Classification Summary - May 2015. Collection method: clinical testing. Allele origin: germline.

Labcorp Genetics (formerly Invitae), Labcorp
Classification: Benign. Last evaluated: 2026-01-31. Review status: criteria provided, single submitter. Criteria: Invitae Variant Classification Sherloc (09022015). Collection method: clinical testing. Allele origin: germline.

Blueprint Genetics
Classification: Likely benign. Last evaluated: 2024-11-26. Review status: criteria provided, single submitter. Criteria: ACMG Guidelines, 2015. Collection method: clinical testing. Allele origin: germline.

Mayo Clinic Laboratories, Mayo Clinic
Classification: Benign. Last evaluated: 2023-04-05. Review status: criteria provided, single submitter. Criteria: ACMG Guidelines, 2015. Collection method: clinical testing. Allele origin: germline. Observed: 36 variant alleles.
Comment: BS1, BS2, BP4

Fulgent Genetics
Classification: Likely benign for Ehlers-Danlos syndrome due to tenascin-X deficiency; Vesicoureteral reflux 8. Last evaluated: 2021-07-22. Review status: criteria provided, single submitter. Criteria: ACMG Guidelines, 2015. Collection method: clinical testing. Allele origin: unknown.

Genome Diagnostics Laboratory, The Hospital for Sick Children
Classification: Benign for Ehlers-Danlos syndrome. Last evaluated: 2021-06-17. Review status: criteria provided, single submitter. Criteria: ACMG Guidelines, 2015. Collection method: clinical testing. Allele origin: germline.

GeneDx
Classification: Benign. Last evaluated: 2019-07-12. Review status: criteria provided, single submitter. Criteria: GeneDx Variant Classification Process June 2021. Collection method: clinical testing. Allele origin: germline. Affected: yes.
Comment: This variant is associated with the following publications: (PMID: 24036952)

Ambry Genetics
Classification: Benign for Cardiovascular phenotype. Last evaluated: 2019-01-04. Review status: criteria provided, single submitter. Criteria: Ambry Variant Classification Scheme 2023. Collection method: clinical testing. Allele origin: germline.

Genome Diagnostics Laboratory, Amsterdam University Medical Center
Classification: Benign. Review status: no assertion criteria provided. Collection method: clinical testing. Allele origin: germline. Affected: yes. Study: VKGL Data-share Consensus. Not counted in ClinVar's aggregate classification.

Genome Diagnostics Laboratory, University Medical Center Utrecht
Classification: Benign. Review status: no assertion criteria provided. Collection method: clinical testing. Allele origin: germline. Affected: yes. Study: VKGL Data-share Consensus. Not counted in ClinVar's aggregate classification.

Literature cited by the submitters: PubMed 24036952 (cited by Mayo Clinic Laboratories, Mayo Clinic).